The following is an entry in ClinVar:

NM_198586.3(NHLRC1):c.1034G>A (p.Cys345Tyr)

Gene: NHLRC1 (NHL repeat containing E3 ubiquitin protein ligase 1; minus strand). Cytogenetic location: 6p22.3.
Variant type: single nucleotide variant.
Coding change: c.1034G>A on transcript NM_198586.3 (MANE Select); coding-DNA position 1034, G replaced by A.
Protein change: p.Cys345Tyr; replaces cysteine 345 with tyrosine.
Molecular consequence: missense variant.
Genome position (GRCh38, 1-based): chr6:18,121,573, C>T on the plus strand (G>A on the coding strand, the complement: NHLRC1 is on the minus strand). VCF-style: chr6-18121573-C-T. GRCh37 (hg19) VCF-style: chr6-18121804-C-T.
Other names: short protein forms C345Y.
Identifiers: ClinVar variation 1004976 (VCV001004976.9), dbSNP rs781739043, ClinGen allele CA362825155.

ClinVar aggregate classification (germline): Uncertain significance (1 of 4 stars; one submission).

Conditions:
Lafora disease. Also called: Epilepsy progressive myoclonic 2; Progressive Myoclonus Epilepsy, Lafora Type. Identifiers: Orphanet 501, MedGen C0751783, MONDO:0009697.

Submission:

Labcorp Genetics (formerly Invitae), Labcorp
Classification: Uncertain significance for Lafora disease. Last evaluated: 2020-02-02. Review status: criteria provided, single submitter. Criteria: Invitae Variant Classification Sherloc (09022015). Collection method: clinical testing. Allele origin: germline.
Comment: In summary, the available evidence is currently insufficient to determine the role of this variant in disease. Therefore, it has been classified as a Variant of Uncertain Significance. Algorithms developed to predict the effect of missense changes on protein structure and function (SIFT, PolyPhen-2, Align-GVGD) all suggest that this variant is likely to be disruptive, but these predictions have not been confirmed by published functional studies and their clinical significance is uncertain. This variant has not been reported in the literature in individuals with NHLRC1-related conditions. This variant is not present in population databases (ExAC no frequency). This sequence change replaces cysteine with tyrosine at codon 345 of the NHLRC1 protein (p.Cys345Tyr). The cysteine residue is highly conserved and there is a large physicochemical difference between cysteine and tyrosine.